The following is an entry in ClinVar:

ClinVar aggregate classification (germline): Uncertain significance (1 of 4 stars; one submission).

Conditions:
Autosomal recessive cerebellar ataxia-saccadic intrusion syndrome. Also called: SPINOCEREBELLAR ATAXIA 24; VPS13D Movement Disorder. Identifiers: Orphanet 95434, MedGen C1846492, MONDO:0011811, OMIM 607317.

Submission:

Department of Molecular Genetics, Istishari Arab Hospital
Classification: Uncertain significance for Autosomal recessive cerebellar ataxia-saccadic intrusion syndrome. Last evaluated: 2026-06-09. Review status: criteria provided, single submitter. Criteria: ACMG Guidelines, 2015. Collection method: clinical testing. Allele origin: germline. Inheritance: Autosomal recessive inheritance. Affected: yes.
Comment: The VPS13D variant c.4151C>T, p.Pro1384Leu causes an amino change from Pro to Leu at position 1384 in exon 19 (out of 70 exons). The variant is not observed in the gnomAD v4.1.0 dataset and, to the best of our knowledge, has not been reported in the literature. It is classified as a variant of uncertain significance based on ACMG/AMP/ClinGen SVI guidelines.

NM_015378.4(VPS13D):c.4151C>T (p.Pro1384Leu)

Gene: VPS13D (vacuolar protein sorting 13 homolog D; plus strand). Cytogenetic location: 1p36.22.
Variant type: single nucleotide variant.
Coding change: c.4151C>T on transcript NM_015378.4 (MANE Select); coding-DNA position 4151, C replaced by T.
Protein change: p.Pro1384Leu; replaces proline 1384 with leucine.
Molecular consequence: missense variant.
Genome position (GRCh38, 1-based): chr1:12,277,739, C>T. VCF-style: chr1-12277739-C-T. GRCh37 (hg19) VCF-style: chr1-12337796-C-T.
Other names: p.Pro1384Leu; c.4151C>T, p.Pro1384Leu (NM_018156.4); short protein forms P1384L.
Identifiers: ClinVar variation 4853823 (VCV004853823.1).
Genomic context (GRCh38, chr1:12,277,739, plus strand): 5'-ACCTAGCTTCGTCTCATTTGGACACTGTAAAGCTAATCTTGAACATAAACATTGAATCAC[C>T]AGTTGTTTCTATCCCTCGGAAGCCGGGGAGTCCTGAGTTGTTGGTGGGACACTTGGGACA-3'
Protein context (NP_056193.2, residues 1374-1394): KLILNINIES[Pro1384Leu]VVSIPRKPGS